The following is an entry in ClinVar:

NM_177438.3(DICER1):c.4760G>A (p.Gly1587Glu)

Gene: DICER1 (dicer 1, ribonuclease III; minus strand). Cytogenetic location: 14q32.13.
Variant type: single nucleotide variant.
Coding change: c.4760G>A on transcript NM_177438.3 (MANE Select); coding-DNA position 4760, G replaced by A.
Protein change: p.Gly1587Glu; replaces glycine 1587 with glutamic acid.
Molecular consequence: missense variant.
Genome position (GRCh38, 1-based): chr14:95,096,160, C>T on the plus strand (G>A on the coding strand, the complement: DICER1 is on the minus strand). VCF-style: chr14-95096160-C-T. GRCh37 (hg19) VCF-style: chr14-95562497-C-T.
Other names: c.4760G>A, p.Gly1587Glu (NM_001195573.1, NM_001271282.3, NM_001291628.2 and 1 more transcripts); short protein forms G1587E.
Identifiers: ClinVar variation 947642 (VCV000947642.14), dbSNP rs1237854658, ClinGen allele CA390867282.

ClinVar aggregate classification (germline): Uncertain significance. Review status: criteria provided, multiple submitters, no conflicts (2 of 4 stars). 2 submissions from 2 submitters: Uncertain significance (2). Last evaluated 2024-09-27.

Conditions:
Hereditary cancer-predisposing syndrome. Also called: Neoplastic Syndromes, Hereditary; Hereditary neoplastic syndrome; Hereditary Cancer Syndrome; Tumor predisposition. Identifiers: Orphanet 140162, MedGen C0027672, MeSH D009386, MONDO:0015356.
DICER1-related tumor predisposition. Also called: DICER1-related pleuropulmonary blastoma cancer predisposition syndrome; DICER1 syndrome. Identifiers: Orphanet 284343, MedGen C3839822, MONDO:0100216.

Allele frequency attached by ClinVar (database versions not stated): gnomAD exomes below 0.00001; TOPMed 0.00001.

Submissions (2):

Ambry Genetics
Classification: Uncertain significance for Hereditary cancer-predisposing syndrome. Last evaluated: 2024-09-27. Review status: criteria provided, single submitter. Criteria: Ambry Variant Classification Scheme 2023. Collection method: clinical testing. Allele origin: germline.
Comment: The p.G1587E variant (also known as c.4760G>A), located in coding exon 22 of the DICER1 gene, results from a G to A substitution at nucleotide position 4760. The glycine at codon 1587 is replaced by glutamic acid, an amino acid with similar properties. This amino acid position is highly conserved in available vertebrate species. In addition, this alteration is predicted to be deleterious by in silico analysis. Since supporting evidence is limited at this time, the clinical significance of this alteration remains unclear.

Labcorp Genetics (formerly Invitae), Labcorp
Classification: Uncertain significance for DICER1-related tumor predisposition. Last evaluated: 2023-06-20. Review status: criteria provided, single submitter. Criteria: Invitae Variant Classification Sherloc (09022015). Collection method: clinical testing. Allele origin: germline.
Comment: In summary, the available evidence is currently insufficient to determine the role of this variant in disease. Therefore, it has been classified as a Variant of Uncertain Significance. Advanced modeling of protein sequence and biophysical properties (such as structural, functional, and spatial information, amino acid conservation, physicochemical variation, residue mobility, and thermodynamic stability) performed at Invitae indicates that this missense variant is expected to disrupt DICER1 protein function. ClinVar contains an entry for this variant (Variation ID: 947642). This variant has not been reported in the literature in individuals affected with DICER1-related conditions. This variant is not present in population databases (gnomAD no frequency). This sequence change replaces glycine, which is neutral and non-polar, with glutamic acid, which is acidic and polar, at codon 1587 of the DICER1 protein (p.Gly1587Glu).